The following is an entry in ClinVar:

NM_004130.4(GYG1):c.1039A>G (p.Thr347Ala)

Gene: GYG1 (glycogenin 1; plus strand). Cytogenetic location: 3q24.
Variant type: single nucleotide variant.
Coding change: c.1039A>G on transcript NM_004130.4 (MANE Select); coding-DNA position 1039, A replaced by G.
Protein change: p.Thr347Ala; replaces threonine 347 with alanine.
Molecular consequence: missense variant. On other transcripts: synonymous variant (1).
Genome position (GRCh38, 1-based): chr3:149,026,919, A>G. VCF-style: chr3-149026919-A-G. GRCh37 (hg19) VCF-style: chr3-148744706-A-G.
Other names: c.988A>G, p.Thr330Ala (NM_001184720.2); c.768A>G, p.Thr256= (NM_001184721.2); short protein forms T330A, T347A.
Identifiers: ClinVar variation 954247 (VCV000954247.9), dbSNP rs759064665, ClinGen allele CA2658739.
Genomic context (GRCh38, chr3:149,026,919, plus strand): 5'-CAGGGCCAGGCTGATTATATGGGAGCAGATTCCTTTGACAACATCAAGAGGAAACTTGAC[A>G]CTTACCTCCAGTAGAAACACTGCATTTTTCTGTGAACACATCCACTTCACAAGCCTTGTT-3'
Protein context (NP_004121.2, residues 337-350): SFDNIKRKLD[Thr347Ala]YLQ

ClinVar aggregate classification (germline): Uncertain significance (1 of 4 stars; one submission).

Conditions:
Polyglucosan body myopathy type 2. Identifiers: Orphanet 456369, MedGen C4015452, MONDO:0014526, OMIM 616199.
Glycogen storage disease XV (GSD15). Also called: GLYCOGENIN DEFICIENCY; GSD XV. Identifiers: Orphanet 263297, MedGen C3150754, MONDO:0013291, OMIM 613507.

Allele frequency attached by ClinVar (database versions not stated): gnomAD exomes below 0.00001; ExAC 0.00001.

Submission:

Labcorp Genetics (formerly Invitae), Labcorp
Classification: Uncertain significance for Polyglucosan body myopathy type 2; Glycogen storage disease XV. Last evaluated: 2019-10-02. Review status: criteria provided, single submitter. Criteria: Invitae Variant Classification Sherloc (09022015). Collection method: clinical testing. Allele origin: germline.
Comment: This sequence change replaces threonine with alanine at codon 347 of the GYG1 protein (p.Thr347Ala). The threonine residue is moderately conserved and there is a small physicochemical difference between threonine and alanine. This variant is present in population databases (rs759064665, ExAC 0.006%). In summary, the available evidence is currently insufficient to determine the role of this variant in disease. Therefore, it has been classified as a Variant of Uncertain Significance. Algorithms developed to predict the effect of missense changes on protein structure and function (SIFT, PolyPhen-2, Align-GVGD) all suggest that this variant is likely to be tolerated, but these predictions have not been confirmed by published functional studies and their clinical significance is uncertain. This variant has not been reported in the literature in individuals with GYG1-related conditions.